The following is an entry in ClinVar:

ClinVar aggregate classification (germline): Uncertain significance (1 of 4 stars; one submission).

Conditions:
Deficiency of butyryl-CoA dehydrogenase (ACADSD). Also called: SCAD DEFICIENCY, MILD; ACYL-CoA DEHYDROGENASE, SHORT-CHAIN, DEFICIENCY OF; SCAD Deficiency; Short-Chain Acyl-CoA Dehydrogenase Deficiency; ACADS DEFICIENCY; SCADH DEFICIENCY. Identifiers: Orphanet 26792, MedGen C0342783, MONDO:0008722, OMIM 201470. Disease mechanism: May be benign.

Allele frequency attached by ClinVar (database versions not stated): ExAC 0.00001; gnomAD 0.00001; gnomAD exomes 0.00001.

Submission:

Labcorp Genetics (formerly Invitae), Labcorp
Classification: Uncertain significance for Deficiency of butyryl-CoA dehydrogenase. Last evaluated: 2020-09-16. Review status: criteria provided, single submitter. Criteria: Invitae Variant Classification Sherloc (09022015). Collection method: clinical testing. Allele origin: germline.
Comment: In summary, the available evidence is currently insufficient to determine the role of this variant in disease. Therefore, it has been classified as a Variant of Uncertain Significance. Algorithms developed to predict the effect of missense changes on protein structure and function (SIFT, PolyPhen-2, Align-GVGD) all suggest that this variant is likely to be disruptive, but these predictions have not been confirmed by published functional studies and their clinical significance is uncertain. This variant has not been reported in the literature in individuals with ACADS-related conditions. This variant is present in population databases (rs770711544, ExAC 0.002%). This sequence change replaces glycine with arginine at codon 235 of the ACADS protein (p.Gly235Arg). The glycine residue is weakly conserved and there is a moderate physicochemical difference between glycine and arginine.

NM_000017.4(ACADS):c.703G>C (p.Gly235Arg)

Gene: ACADS (acyl-CoA dehydrogenase short chain; plus strand). Cytogenetic location: 12q24.31.
Variant type: single nucleotide variant.
Coding change: c.703G>C on transcript NM_000017.4 (MANE Select); coding-DNA position 703, G replaced by C.
Protein change: p.Gly235Arg; replaces glycine 235 with arginine.
Molecular consequence: missense variant.
Genome position (GRCh38, 1-based): chr12:120,738,358, G>C. VCF-style: chr12-120738358-G-C. GRCh37 (hg19) VCF-style: chr12-121176161-G-C.
Other names: c.691G>C, p.Gly231Arg (NM_001302554.2); short protein forms G231R, G235R.
Identifiers: ClinVar variation 1058346 (VCV001058346.9), dbSNP rs770711544, ClinGen allele CA6831041.